The following is an entry in ClinVar:

NM_001375524.1(TRRAP):c.4087G>C (p.Val1363Leu)

Gene: TRRAP (transformation/transcription domain associated protein; plus strand). Cytogenetic location: 7q22.1.
Variant type: single nucleotide variant.
Coding change: c.4087G>C on transcript NM_001375524.1 (MANE Select); coding-DNA position 4087, G replaced by C.
Protein change: p.Val1363Leu; replaces valine 1363 with leucine.
Molecular consequence: missense variant.
Genome position (GRCh38, 1-based): chr7:98,935,651, G>C. VCF-style: chr7-98935651-G-C. GRCh37 (hg19) VCF-style: chr7-98533274-G-C.
Other names: c.4087G>C, p.Val1363Leu (NM_001244580.2, NM_003496.4); short protein forms V1363L.
Identifiers: ClinVar variation 3620895 (VCV003620895.2).

ClinVar aggregate classification (germline): Uncertain significance (1 of 4 stars; one submission).

gnomAD v4.1: 14 of 1,598,960 alleles (0.00088%); highest among the groups gnomAD compares: Admixed American, 0.0017%; no homozygotes.

Submission:

Labcorp Genetics (formerly Invitae), Labcorp
Classification: Uncertain significance. Last evaluated: 2024-02-12. Review status: criteria provided, single submitter. Criteria: Invitae Variant Classification Sherloc (09022015). Collection method: clinical testing. Allele origin: germline.
Comment: This sequence change replaces valine, which is neutral and non-polar, with leucine, which is neutral and non-polar, at codon 1363 of the TRRAP protein (p.Val1363Leu). This variant is present in population databases (no rsID available, gnomAD 0.003%). This variant has not been reported in the literature in individuals affected with TRRAP-related conditions. Advanced modeling of protein sequence and biophysical properties (such as structural, functional, and spatial information, amino acid conservation, physicochemical variation, residue mobility, and thermodynamic stability) performed at Invitae indicates that this missense variant is not expected to disrupt TRRAP protein function with a negative predictive value of 80%. In summary, the available evidence is currently insufficient to determine the role of this variant in disease. Therefore, it has been classified as a Variant of Uncertain Significance.